The following is an entry in ClinVar:

NC_000009.12:g.(?_336562)_(386446_?)del

Gene: DOCK8 (dedicator of cytokinesis 8; plus strand). Cytogenetic location: 9p24.3.
Variant type: Deletion.
Identifiers: ClinVar variation 831769 (VCV000831769.9).

ClinVar aggregate classification (germline): Pathogenic (1 of 4 stars; one submission).

Conditions:
Hyper-IgE recurrent infection syndrome 3, autosomal recessive. Also called: Autosomal recessive hyper-IgE syndrome due to ZNF341 deficiency; HYPER-IgE SYNDROME 3, AUTOSOMAL RECESSIVE, WITH RECURRENT INFECTIONS. Identifiers: Orphanet 641368, MedGen C4748969, MONDO:0032654, OMIM 618282.

Submission:

Labcorp Genetics (formerly Invitae), Labcorp
Classification: Pathogenic for Combined immunodeficiency due to DOCK8 deficiency. Last evaluated: 2020-02-24. Review status: criteria provided, single submitter. Criteria: Invitae Variant Classification Sherloc (09022015). Collection method: clinical testing. Allele origin: germline.
Comment: For these reasons, this variant has been classified as Pathogenic. Loss-of-function variants in DOCK8 are known to be pathogenic (PMID: 14722525, 19776401). This variant has not been reported in the literature in individuals with DOCK8-related conditions. This variant is an out-of-frame deletion of the genomic region encompassing exons 12-23 of the DOCK8 gene. This is expected to create a premature translational stop signal and result in an absent or disrupted protein product.

Literature cited by the submitters: PubMed 14722525; PubMed 19776401.